The following is an entry in ClinVar:

ClinVar aggregate classification (germline): Uncertain significance (1 of 4 stars; one submission).

Submission:

GeneDx
Classification: Uncertain significance. Last evaluated: 2022-06-13. Review status: criteria provided, single submitter. Criteria: GeneDx Variant Classification Process June 2021. Collection method: clinical testing. Allele origin: germline. Affected: yes.
Comment: Not observed at significant frequency in large population cohorts (gnomAD); In silico analysis supports that this missense variant does not alter protein structure/function; Has not been previously published as pathogenic or benign to our knowledge

NM_015570.4(AUTS2):c.740A>G (p.Lys247Arg)

Gene: AUTS2 (activator of transcription and developmental regulator AUTS2; plus strand). Cytogenetic location: 7q11.22.
Variant type: single nucleotide variant.
Coding change: c.740A>G on transcript NM_015570.4 (MANE Select); coding-DNA position 740, A replaced by G.
Protein change: p.Lys247Arg; replaces lysine 247 with arginine.
Molecular consequence: missense variant.
Genome position (GRCh38, 1-based): chr7:70,698,618, A>G. VCF-style: chr7-70698618-A-G. GRCh37 (hg19) VCF-style: chr7-70163604-A-G.
Other names: c.740A>G, p.Lys247Arg (NM_001127231.3); short protein forms K247R.
Identifiers: ClinVar variation 1804581 (VCV001804581.1), dbSNP rs1809270457, ClinGen allele CA367667039.